The following is an entry in ClinVar:

ClinVar aggregate classification (germline): Uncertain significance (1 of 4 stars; one submission).

Submission:

Labcorp Genetics (formerly Invitae), Labcorp
Classification: Uncertain significance. Last evaluated: 2024-04-12. Review status: criteria provided, single submitter. Criteria: Invitae Variant Classification Sherloc (09022015). Collection method: clinical testing. Allele origin: germline.
Comment: This sequence change replaces methionine, which is neutral and non-polar, with isoleucine, which is neutral and non-polar, at codon 192 of the TRIM8 protein (p.Met192Ile). This variant is not present in population databases (gnomAD no frequency). This variant has not been reported in the literature in individuals affected with TRIM8-related conditions. An algorithm developed to predict the effect of missense changes on protein structure and function (PolyPhen-2) suggests that this variant is likely to be tolerated. In summary, the available evidence is currently insufficient to determine the role of this variant in disease. Therefore, it has been classified as a Variant of Uncertain Significance.

NM_030912.3(TRIM8):c.576G>A (p.Met192Ile)

Gene: TRIM8 (tripartite motif containing 8; plus strand). Cytogenetic location: 10q24.32.
Variant type: single nucleotide variant.
Coding change: c.576G>A on transcript NM_030912.3 (MANE Select); coding-DNA position 576, G replaced by A.
Protein change: p.Met192Ile; replaces methionine 192 with isoleucine.
Molecular consequence: missense variant. On other transcripts: non-coding transcript variant (1), intron variant (1).
Genome position (GRCh38, 1-based): chr10:102,654,658, G>A. VCF-style: chr10-102654658-G-A. GRCh37 (hg19) VCF-style: chr10-104414415-G-A.
Other names: c.571-422G>A (NM_001345950.1); short protein forms M192I.
Identifiers: ClinVar variation 3701158 (VCV003701158.2).